The following is an entry in ClinVar:

ClinVar aggregate classification (germline): Benign/Likely benign. Review status: criteria provided, multiple submitters, no conflicts (2 of 4 stars). 3 submissions from 3 submitters: Benign (1); Likely benign (2). Last evaluated 2026-09-01.

Conditions:
3MC syndrome 1. Also called: CRANIOSYNOSTOSIS WITH LID ANOMALIES; OCULOPALATOSKELETAL SYNDROME; MICHELS SYNDROME. Identifiers: Orphanet 293843, MedGen C0796059, MONDO:0009770, OMIM 257920.

Allele frequency attached by ClinVar (database versions not stated): 1000 Genomes Project 30x 0.00187; 1000 Genomes Project 0.00220; TOPMed 0.00311; ESP Exome Variant Server 0.00384; gnomAD 0.00431.
gnomAD v4.1: 2,231 of 1,613,946 alleles (0.14%); highest among the groups gnomAD compares: African/African-American, 0.91%; 23 homozygotes.

Submissions (3):

CeGaT Center for Human Genetics Tuebingen
Classification: Likely benign. Last evaluated: 2026-09-01. Review status: criteria provided, single submitter. Criteria: CeGaT Center For Human Genetics Tuebingen Variant Classification Criteria Version 2. Collection method: clinical testing. Allele origin: germline. Affected: yes. Observed: 5 variant alleles.
Comment: MASP1: BP4, BP7

Labcorp Genetics (formerly Invitae), Labcorp
Classification: Benign for 3MC syndrome 1. Last evaluated: 2026-01-24. Review status: criteria provided, single submitter. Criteria: Invitae Variant Classification Sherloc (09022015). Collection method: clinical testing. Allele origin: germline.

Blueprint Genetics
Classification: Likely benign. Last evaluated: 2024-11-07. Review status: criteria provided, single submitter. Criteria: ACMG Guidelines, 2015. Collection method: clinical testing. Allele origin: germline.

NM_139125.4(MASP1):c.1062G>A (p.Thr354=)

Gene: MASP1 (MBL associated serine protease 1; minus strand). Cytogenetic location: 3q27.3.
Variant type: single nucleotide variant.
Coding change: c.1062G>A on transcript NM_139125.4 (MANE Select); coding-DNA position 1062, G replaced by A.
Protein change: p.Thr354=; no amino-acid change (threonine 354 retained).
Molecular consequence: synonymous variant. On other transcripts: non-coding transcript variant (1).
Genome position (GRCh38, 1-based): chr3:187,250,279, C>T on the plus strand (G>A on the coding strand, the complement: MASP1 is on the minus strand). VCF-style: chr3-187250279-C-T. GRCh37 (hg19) VCF-style: chr3-186968067-C-T.
Other names: c.1062G>A, p.Thr354= (NM_001031849.3, NM_001879.6).
Identifiers: ClinVar variation 531897 (VCV000531897.34), dbSNP rs116763673, ClinGen allele CA2749414.
Genomic context (GRCh38, chr3:187,250,279, plus strand): 5'-TATCTTTATAACAACCCATTAGGCTTTCTTACTTTTACAGGTGGGAATCTTGTTACTCCA[C>T]GTCCCATCCTTCAGACACTCAATCTGGAATGTGTCCATCTCCACATTATCCTGGGAAGAG-3'
Protein context (NP_624302.1, residues 344-364): TFQIECLKDG[Thr354=]WSNKIPTCKI